The following is an entry in ClinVar:

ClinVar aggregate classification (germline): Benign/Likely benign. Review status: criteria provided, multiple submitters, no conflicts (2 of 4 stars). 10 submissions from 10 submitters: Benign (2); Likely benign (8). Last evaluated 2026-06-17.

Conditions:
Tuberous sclerosis 2 (TSC2). Identifiers: Orphanet 805, MedGen C1860707, MONDO:0013199, OMIM 613254.
Lymphangiomyomatosis (LAM). Also called: Lymphangioleiomyomatosis; Lymphangioleiomyomatosis, somatic. Identifiers: Orphanet 538, MedGen C0751674, MONDO:0011705, OMIM 606690.
Isolated focal cortical dysplasia type II (FCORD2). Also called: Focal cortical dysplasia type II; CORTICAL DYSPLASIA OF TAYLOR. Identifiers: Orphanet 268994, MedGen C1846385, MONDO:0011818, OMIM 607341, HP:0032051.
TSC2-related disorder. Also called: TSC2-related condition; TSC2-Related Disorders.
Hereditary cancer-predisposing syndrome. Also called: Neoplastic Syndromes, Hereditary; Tumor predisposition; Hereditary Cancer Syndrome; Hereditary neoplastic syndrome. Identifiers: Orphanet 140162, MedGen C0027672, MeSH D009386, MONDO:0015356.
Tuberous sclerosis syndrome (TSC). Also called: Tuberous Sclerosis Complex; Tuberous sclerosis. Identifiers: Orphanet 805, MedGen C0041341, MONDO:0001734.

Allele frequency attached by ClinVar (database versions not stated): ExAC 0.00001; gnomAD exomes 0.00001; TOPMed 0.00002; gnomAD 0.00003.

Submissions (10):

PreventionGenetics, part of Exact Sciences
Classification: Likely benign for TSC2-related condition. Last evaluated: 2026-06-17. Review status: criteria provided, single submitter. Criteria: ACMG Guidelines, 2015. Collection method: clinical testing. Allele origin: germline.
Comment: This variant is classified as likely benign based on ACMG/AMP sequence variant interpretation guidelines (Richards et al. 2015 PMID: 25741868, with internal and published modifications).

Labcorp Genetics (formerly Invitae), Labcorp
Classification: Likely benign for Tuberous sclerosis 2. Last evaluated: 2026-01-06. Review status: criteria provided, single submitter. Criteria: Invitae Variant Classification Sherloc (09022015). Collection method: clinical testing. Allele origin: germline.

Myriad Genetics, Inc.
Classification: Benign for Tuberous sclerosis 2. Last evaluated: 2025-05-08. Review status: criteria provided, single submitter. Criteria: Myriad Autosomal Dominant, Autosomal Recessive and X-Linked Classification Criteria (2023). Collection method: clinical testing. Allele origin: unknown.
Comment: This variant is considered benign. This variant is a silent/synonymous amino acid change and it is not expected to impact splicing.

All of Us Research Program, National Institutes of Health
Classification: Likely benign for Tuberous sclerosis syndrome. Last evaluated: 2024-01-03. Review status: criteria provided, single submitter. Criteria: ACMG Guidelines, 2015. Collection method: clinical testing. Allele origin: germline. Inheritance: Autosomal dominant inheritance. Observed: 7 variant alleles, 7 heterozygotes.
Comment: This study involves interpretation of variants in research participants for the purpose of population health screening. Participant phenotype was not available at the time of variant classification. Additional details can be found in publication PMID: 35346344, PMCID: PMC8962531

Blueprint Genetics
Classification: Likely benign. Last evaluated: 2023-12-08. Review status: criteria provided, single submitter. Criteria: ACMG Guidelines, 2015. Collection method: clinical testing. Allele origin: germline.

Fulgent Genetics
Classification: Likely benign for Lymphangiomyomatosis; Isolated focal cortical dysplasia type II; Tuberous sclerosis 2. Last evaluated: 2022-03-30. Review status: criteria provided, single submitter. Criteria: ACMG Guidelines, 2015. Collection method: clinical testing. Allele origin: unknown.

Sema4
Classification: Likely benign for Hereditary cancer-predisposing syndrome. Last evaluated: 2021-12-26. Review status: criteria provided, single submitter. Criteria: Sema4 Curation Guidelines. Collection method: curation. Allele origin: germline.

Genome-Nilou Lab
Classification: Benign for Tuberous sclerosis 2. Last evaluated: 2021-11-07. Review status: criteria provided, single submitter. Criteria: ACMG Guidelines, 2015. Collection method: clinical testing. Allele origin: germline. Affected: no.

GeneDx
Classification: Likely benign. Last evaluated: 2020-10-19. Review status: criteria provided, single submitter. Criteria: GeneDx Variant Classification Process June 2021. Collection method: clinical testing. Allele origin: germline. Affected: yes.

Ambry Genetics
Classification: Likely benign for Hereditary cancer-predisposing syndrome. Last evaluated: 2019-01-15. Review status: criteria provided, single submitter. Criteria: Ambry Variant Classification Scheme 2023. Collection method: clinical testing. Allele origin: germline.

NM_000548.5(TSC2):c.627C>T (p.Thr209=)

Gene: TSC2 (TSC complex subunit 2; plus strand). Cytogenetic location: 16p13.3.
Variant type: single nucleotide variant.
Coding change: c.627C>T on transcript NM_000548.5 (MANE Select); coding-DNA position 627, C replaced by T.
Protein change: p.Thr209=; no amino-acid change (threonine 209 retained).
Molecular consequence: synonymous variant.
Genome position (GRCh38, 1-based): chr16:2,056,223, C>T. VCF-style: chr16-2056223-C-T. GRCh37 (hg19) VCF-style: chr16-2106224-C-T.
Other names: c.627C>T, p.Thr209= (NM_001077183.3, NM_001114382.3, NM_001363528.2 and 3 more transcripts); c.516C>T, p.Thr172= (NM_001318827.2); c.480C>T, p.Thr160= (NM_001318829.2); c.27C>T, p.Thr9= (NM_001318831.2); c.660C>T, p.Thr220= (NM_001318832.2); c.627C>T (NM_000548.4).
Identifiers: ClinVar variation 386986 (VCV000386986.25), dbSNP rs776293094, ClinGen allele CA055830.
Genomic context (GRCh38, chr16:2,056,223, plus strand): 5'-TGCTGCCGGGACTGAGCTCGGTGCTCCCTGCAGGATGATCTGTCTGCTGTGCGTCCGGAC[C>T]GCGTCCTCTGTGGACATAGAGGTCAGTGCCTCCCCTCCCCAGGGCCGGCCCATTTCACCC-3'
Protein context (NP_000539.2, residues 199-219): VQMICLLCVR[Thr209=]ASSVDIEVSL